The following is an entry in ClinVar:

ClinVar aggregate classification (germline): Uncertain significance (1 of 4 stars; one submission).

Conditions:
Hereditary cancer-predisposing syndrome. Also called: Hereditary Cancer Syndrome; Hereditary neoplastic syndrome; Neoplastic Syndromes, Hereditary; Tumor predisposition. Identifiers: Orphanet 140162, MedGen C0027672, MeSH D009386, MONDO:0015356.

Submission:

Ambry Genetics
Classification: Uncertain significance for Hereditary cancer-predisposing syndrome. Last evaluated: 2020-04-27. Review status: criteria provided, single submitter. Criteria: Ambry Variant Classification Scheme 2023. Collection method: clinical testing. Allele origin: germline.
Comment: The p.C152R variant (also known as c.454T>C), located in coding exon 4 of the DICER1 gene, results from a T to C substitution at nucleotide position 454. The cysteine at codon 152 is replaced by arginine, an amino acid with highly dissimilar properties. This amino acid position is highly conserved in available vertebrate species. In addition, the in silico prediction for this alteration is inconclusive. Since supporting evidence is limited at this time, the clinical significance of this alteration remains unclear.

NM_177438.3(DICER1):c.454T>C (p.Cys152Arg)

Gene: DICER1 (dicer 1, ribonuclease III; minus strand). Cytogenetic location: 14q32.13.
Variant type: single nucleotide variant.
Coding change: c.454T>C on transcript NM_177438.3 (MANE Select); coding-DNA position 454, T replaced by C.
Protein change: p.Cys152Arg; replaces cysteine 152 with arginine.
Molecular consequence: missense variant. On other transcripts: non-coding transcript variant (6), intron variant (1), 5 prime UTR variant (1).
Genome position (GRCh38, 1-based): chr14:95,130,177, A>G on the plus strand (T>C on the coding strand, the complement: DICER1 is on the minus strand). VCF-style: chr14-95130177-A-G. GRCh37 (hg19) VCF-style: chr14-95596514-A-G.
Other names: c.454T>C, p.Cys152Arg (NM_001395699.1, NM_001395700.1, NM_030621.4 and 15 more transcripts); c.-20-94T>C (NM_001395691.1); c.172T>C, p.Cys58Arg (NM_001395686.1); c.49T>C, p.Cys17Arg (NM_001395687.1, NM_001395688.1, NM_001395689.1 and 3 more transcripts); c.-1115T>C (NM_001395697.1); short protein forms C152R, C58R, C17R.
Identifiers: ClinVar variation 1741436 (VCV001741436.2), dbSNP rs2543305582, ClinGen allele CA390888584.